The following is an entry in ClinVar:

ClinVar aggregate classification (germline): Benign. Review status: criteria provided, multiple submitters, no conflicts (2 of 4 stars). 2 submissions from 2 submitters: Benign (2). Last evaluated 2018-06-13.

Allele frequency attached by ClinVar (database versions not stated): 1000 Genomes Project 0.58247; 1000 Genomes Project 30x 0.59119; TOPMed 0.63293.
gnomAD v4.1: 643,931 of 1,158,054 alleles (56%); highest among the groups gnomAD compares: African/African-American, 81%; 183,720 homozygotes.

Submissions (2):

GeneDx
Classification: Benign. Last evaluated: 2018-06-13. Review status: criteria provided, single submitter. Criteria: GeneDx Variant Classification (06012015). Collection method: clinical testing. Allele origin: germline. Affected: yes.
Comment: This variant is considered likely benign or benign based on one or more of the following criteria: it is a conservative change, it occurs at a poorly conserved position in the protein, it is predicted to be benign by multiple in silico algorithms, and/or has population frequency not consistent with disease.

Breakthrough Genomics
Classification: Benign. Review status: criteria provided, single submitter. Criteria: ACMG Guidelines, 2015. Collection method: not provided. Allele origin: germline. Inheritance: Autosomal recessive inheritance. Affected: yes.

NM_000260.4(MYO7A):c.3925-93C>G

Gene: MYO7A (myosin VIIA; plus strand). Cytogenetic location: 11q13.5.
Variant type: single nucleotide variant.
Coding change: c.3925-93C>G on transcript NM_000260.4 (MANE Select); 93 bases into the intron before coding-DNA position 3925, C replaced by G.
Molecular consequence: intron variant.
Genome position (GRCh38, 1-based): chr11:77,191,958, C>G. VCF-style: chr11-77191958-C-G. GRCh37 (hg19) VCF-style: chr11-76903003-C-G.
Other names: c.3892-93C>G (NM_001369365.1); c.3925-93C>G (NM_001127180.2).
Identifiers: ClinVar variation 670377 (VCV000670377.2), dbSNP rs1944034, ClinGen allele CA13464835.